The following is an entry in ClinVar:

NM_003482.4(KMT2D):c.13735T>G (p.Phe4579Val)

Gene: KMT2D (lysine methyltransferase 2D; minus strand). Cytogenetic location: 12q13.12.
Variant type: single nucleotide variant.
Coding change: c.13735T>G on transcript NM_003482.4 (MANE Select); coding-DNA position 13735, T replaced by G.
Protein change: p.Phe4579Val; replaces phenylalanine 4579 with valine.
Molecular consequence: missense variant.
Genome position (GRCh38, 1-based): chr12:49,030,705, A>C on the plus strand (T>G on the coding strand, the complement: KMT2D is on the minus strand). VCF-style: chr12-49030705-A-C. GRCh37 (hg19) VCF-style: chr12-49424488-A-C.
Other names: short protein forms F4579V.
Identifiers: ClinVar variation 2744076 (VCV002744076.3), dbSNP rs765658034, ClinGen allele CA384702445.

ClinVar aggregate classification (germline): Uncertain significance (1 of 4 stars; one submission).

Conditions:
Kabuki syndrome. Also called: Kabuki make-up syndrome; NIIKAWA-KUROKI SYNDROME. Identifiers: Orphanet 2322, MedGen C0796004, MONDO:0016512.

Submission:

Labcorp Genetics (formerly Invitae), Labcorp
Classification: Uncertain significance for Kabuki syndrome. Last evaluated: 2024-05-20. Review status: criteria provided, single submitter. Criteria: Invitae Variant Classification Sherloc (09022015). Collection method: clinical testing. Allele origin: germline.
Comment: This sequence change replaces phenylalanine, which is neutral and non-polar, with valine, which is neutral and non-polar, at codon 4579 of the KMT2D protein (p.Phe4579Val). This variant is not present in population databases (gnomAD no frequency). This variant has not been reported in the literature in individuals affected with KMT2D-related conditions. Advanced modeling of protein sequence and biophysical properties (such as structural, functional, and spatial information, amino acid conservation, physicochemical variation, residue mobility, and thermodynamic stability) performed at Invitae indicates that this missense variant is not expected to disrupt KMT2D protein function with a negative predictive value of 95%. In summary, the available evidence is currently insufficient to determine the role of this variant in disease. Therefore, it has been classified as a Variant of Uncertain Significance.